The following is an entry in ClinVar:

ClinVar aggregate classification (germline): Pathogenic/Likely pathogenic. Review status: criteria provided, multiple submitters, no conflicts (2 of 4 stars). 3 submissions from 3 submitters: Pathogenic (2); Likely pathogenic (1). Last evaluated 2024-11-03.

Conditions:
Familial hypobetalipoproteinemia 1. Also called: APOB-Related Familial Hypobetalipoproteinemia; Hypobetalipoproteinemia, normotriglyceridemic; Acanthocytosis with hypobetalipoproteinemia. Identifiers: MedGen C4551990, MONDO:0014252, OMIM 615558.
Hypercholesterolemia, autosomal dominant, type B (FHCL2). Also called: APOB-Related Familial Hypercholesterolemia, Autosomal Dominant; HYPERCHOLESTEROLEMIA, FAMILIAL, DUE TO LIGAND-DEFECTIVE APOLIPOPROTEIN B; Hyperlipoproteinemia Type IIb; Familial Hypercholesterolemia Type B; APOLIPOPROTEIN B-100, FAMILIAL DEFECTIVE; APOLIPOPROTEIN B-100, FAMILIAL LIGAND-DEFECTIVE. Identifiers: MedGen C1704417, MONDO:0007751, OMIM 144010.

Allele frequency attached by ClinVar (database versions not stated): gnomAD exomes below 0.00001.
gnomAD v4.1: 2 of 1,614,208 alleles (0.00012%); highest among the groups gnomAD compares: Non-Finnish European, 0.00017%; no homozygotes.

Submissions (3):

Labcorp Genetics (formerly Invitae), Labcorp
Classification: Pathogenic for Familial hypobetalipoproteinemia 1; Hypercholesterolemia, autosomal dominant, type B. Last evaluated: 2024-11-03. Review status: criteria provided, single submitter. Criteria: Invitae Variant Classification Sherloc (09022015). Collection method: clinical testing. Allele origin: germline.
Comment: This sequence change affects a donor splice site in intron 5 of the APOB gene. It is expected to disrupt RNA splicing. Variants that disrupt the donor or acceptor splice site typically lead to a loss of protein function (PMID: 16199547), and loss-of-function variants in APOB are known to be pathogenic (PMID: 20032471). This variant is not present in population databases (gnomAD no frequency). Disruption of this splice site has been observed in individual(s) with familial hypobetalipoproteinemia (PMID: 1770316, 35460704). In at least one individual the data is consistent with being in trans (on the opposite chromosome) from a pathogenic variant. It has also been observed to segregate with disease in related individuals. ClinVar contains an entry for this variant (Variation ID: 1330634). Algorithms developed to predict the effect of sequence changes on RNA splicing suggest that this variant may disrupt the consensus splice site. For these reasons, this variant has been classified as Pathogenic.

Fulgent Genetics
Classification: Likely pathogenic for Hypercholesterolemia, autosomal dominant, type B; Familial hypobetalipoproteinemia 1. Last evaluated: 2021-10-26. Review status: criteria provided, single submitter. Criteria: ACMG Guidelines, 2015. Collection method: clinical testing. Allele origin: unknown.

ARUP Laboratories, Molecular Genetics and Genomics, ARUP Laboratories
Classification: Pathogenic. Last evaluated: 2021-08-15. Review status: criteria provided, single submitter. Criteria: ARUP Molecular Germline Variant Investigation Process 2021. Collection method: clinical testing. Allele origin: germline.

Literature cited by the submitters: PubMed 16199547 (cited by Labcorp Genetics (formerly Invitae), Labcorp); PubMed 20032471 (cited by Labcorp Genetics (formerly Invitae), Labcorp); PubMed 1770316 (cited by Labcorp Genetics (formerly Invitae), Labcorp); PubMed 35460704 (cited by Labcorp Genetics (formerly Invitae), Labcorp).

NM_000384.3(APOB):c.537+1G>T

Gene: APOB (apolipoprotein B; minus strand). Cytogenetic location: 2p24.1.
Variant type: single nucleotide variant.
Coding change: c.537+1G>T on transcript NM_000384.3 (MANE Select); the canonical splice donor site of the intron after coding-DNA position 537, G replaced by T.
Molecular consequence: splice donor variant.
Genome position (GRCh38, 1-based): chr2:21,037,957, C>A on the plus strand (G>T on the coding strand, the complement: APOB is on the minus strand). VCF-style: chr2-21037957-C-A. GRCh37 (hg19) VCF-style: chr2-21260829-C-A.
Identifiers: ClinVar variation 1330634 (VCV001330634.10), dbSNP rs2103384749, ClinGen allele CA345962364.
Genomic context (GRCh38, chr2:21,037,957, plus strand): 5'-GGTCTCTAACACATGAAGATGAGTTTCAAGGGCCACTGCTATCAGCTTTCTAAATCCTCA[C>A]CAGAAACAACACTTGCTTGGCTTCTTCTGTCTCTGGGGGAACCAGGAGGGCAGAAATGAT-3'